The following is an entry in ClinVar:

NM_001329943.3(KIAA0586):c.3940A>G (p.Lys1314Glu)

Gene: KIAA0586 (KIAA0586; plus strand). Cytogenetic location: 14q23.1.
Variant type: single nucleotide variant.
Coding change: c.3940A>G on transcript NM_001329943.3 (MANE Select); coding-DNA position 3940, A replaced by G.
Protein change: p.Lys1314Glu; replaces lysine 1314 with glutamic acid.
Molecular consequence: missense variant. On other transcripts: intron variant (1).
Genome position (GRCh38, 1-based): chr14:58,492,225, A>G. VCF-style: chr14-58492225-A-G. GRCh37 (hg19) VCF-style: chr14-58958943-A-G.
Other names: c.3520A>G, p.Lys1174Glu (NM_001244193.2); c.3940A>G, p.Lys1314Glu (NM_001329944.2, NM_001329946.2); c.3685A>G, p.Lys1229Glu (NM_001329945.2, NM_001364700.1, NM_001364701.2 and 1 more transcripts); c.3712A>G, p.Lys1238Glu (NM_014749.5); c.3858+1985A>G (NM_001329947.2); c.4099A>G, p.Lys1367Glu (NM_001244189.2); c.3895A>G, p.Lys1299Glu (NM_001244190.2); c.3808A>G, p.Lys1270Glu (NM_001244192.2); short protein forms K1299E, K1367E, K1270E, K1314E, K1174E, K1229E, K1238E.
Identifiers: ClinVar variation 2078949 (VCV002078949.4), dbSNP rs1270703288, ClinGen allele CA389884600.
Genomic context (GRCh38, chr14:58,492,225, plus strand): 5'-GGGCAAGTGATTAGGATGTCCCATAAAAAATTTCATGCAGATGCAATTCTTTCTTTTGCT[A>G]AACAAAACCAGGAGTCAGCAGTTTCCCAGCAAGCAGTCTATCATTCAGAGGTACTTTTTA-3'
Protein context (NP_001316872.1, residues 1304-1324): FHADAILSFA[Lys1314Glu]QNQESAVSQQ

ClinVar aggregate classification (germline): Uncertain significance (1 of 4 stars; one submission).

Conditions:
Joubert syndrome 23 (JBTS23). Identifiers: Orphanet 475, MedGen C4084822, MONDO:0014664, OMIM 616490.
Short-rib thoracic dysplasia 14 with polydactyly (SRTD14). Identifiers: Orphanet 397715, MedGen C4225286, MONDO:0014688, OMIM 616546.

gnomAD v4.1: 2 of 1,551,250 alleles (0.00013%); highest among the groups gnomAD compares: African/African-American, 0.0014%; no homozygotes.

Submission:

Labcorp Genetics (formerly Invitae), Labcorp
Classification: Uncertain significance for Joubert syndrome 23; Short-rib thoracic dysplasia 14 with polydactyly. Last evaluated: 2024-11-18. Review status: criteria provided, single submitter. Criteria: Invitae Variant Classification Sherloc (09022015). Collection method: clinical testing. Allele origin: germline.
Comment: This sequence change replaces lysine, which is basic and polar, with glutamic acid, which is acidic and polar, at codon 1367 of the KIAA0586 protein (p.Lys1367Glu). This variant is present in population databases (no rsID available, gnomAD 0.01%). This variant has not been reported in the literature in individuals affected with KIAA0586-related conditions. ClinVar contains an entry for this variant (Variation ID: 2078949). Invitae Evidence Modeling of protein sequence and biophysical properties (such as structural, functional, and spatial information, amino acid conservation, physicochemical variation, residue mobility, and thermodynamic stability) has been performed for this missense variant. However, the output from this modeling did not meet the statistical confidence thresholds required to predict the impact of this variant on KIAA0586 protein function. In summary, the available evidence is currently insufficient to determine the role of this variant in disease. Therefore, it has been classified as a Variant of Uncertain Significance.